The following is an entry in ClinVar:

ClinVar aggregate classification (germline): Uncertain significance (1 of 4 stars; one submission).

Submission:

Dasa
Classification: Uncertain significance. Last evaluated: 2025-11-17. Review status: criteria provided, single submitter. Criteria: DASA Assertion Criteria. Collection method: clinical testing. Allele origin: germline.
Comment: NM_020800.3(IFT80):c.107A>G (p.Gln36Arg) is a missense variant that results in the substitution of glutamine with arginine. This variant is rare in population databases. The currently available literature and clinical evidence are not sufficient to establish a definitive association between this variant and the reported condition. Therefore, this variant is classified as a variant of uncertain significance.

NM_020800.3(IFT80):c.107A>G (p.Gln36Arg)

Genes: IFT80 (intraflagellar transport 80; minus strand), TRIM59-IFT80 (TRIM59-IFT80 readthrough (NMD candidate); minus strand). Cytogenetic location: 3q25.33.
Variant type: single nucleotide variant.
Coding change: c.107A>G on transcript NM_020800.3 (MANE Select); coding-DNA position 107, A replaced by G.
Protein change: p.Gln36Arg; replaces glutamine 36 with arginine.
Molecular consequence: missense variant. On other transcripts: non-coding transcript variant (2), 5 prime UTR variant (2).
Genome position (GRCh38, 1-based): chr3:160,381,655, T>C on the plus strand (A>G on the coding strand, the complement: IFT80 is on the minus strand). VCF-style: chr3-160381655-T-C. GRCh37 (hg19) VCF-style: chr3-160099443-T-C.
Other names: c.-305A>G (NM_001190241.2, NM_001190242.2); short protein forms Q36R.
Identifiers: ClinVar variation 4882173 (VCV004882173.2).
Genomic context (GRCh38, chr3:160,381,655, plus strand): 5'-TCATCAGGAAGCTTTACTATTTGAGTTGTTTCACTGGTTAACAAGTTCCACTTCACTATC[T>C]GGTGATCATCACTACATGAATACAGCTCTTCAGCAGTAGTCCAGCCCACACAGCTTACTA-3'
Protein context (NP_065851.1, residues 26-46): EELYSCSDDH[Gln36Arg]IVKWNLLTSE